The following is an entry in ClinVar:

ClinVar aggregate classification (germline): Likely benign. Review status: criteria provided, multiple submitters, no conflicts (2 of 4 stars). 2 submissions from 2 submitters: Likely benign (2). Last evaluated 2025-09-01.

Allele frequency attached by ClinVar (database versions not stated): 1000 Genomes Project 30x 0.00016; 1000 Genomes Project 0.00020; ExAC 0.00028; gnomAD exomes 0.00028; gnomAD 0.00034 and 0.00036; TOPMed 0.00036; ESP Exome Variant Server 0.00054.
gnomAD v4.1: 751 of 1,613,996 alleles (0.047%); highest among the groups gnomAD compares: Non-Finnish European, 0.061%; 1 homozygote.

Submissions (2):

CeGaT Center for Human Genetics Tuebingen
Classification: Likely benign. Last evaluated: 2025-09-01. Review status: criteria provided, single submitter. Criteria: CeGaT Center For Human Genetics Tuebingen Variant Classification Criteria Version 2. Collection method: clinical testing. Allele origin: germline. Affected: yes. Observed: 2 variant alleles.
Comment: TOE1: BP4, BP7

Labcorp Genetics (formerly Invitae), Labcorp
Classification: Likely benign. Last evaluated: 2025-04-14. Review status: criteria provided, single submitter. Criteria: Invitae Variant Classification Sherloc (09022015). Collection method: clinical testing. Allele origin: germline.

NM_025077.4(TOE1):c.354T>C (p.Ala118=)

Gene: TOE1 (target of EGR1, exonuclease; plus strand). Cytogenetic location: 1p34.1.
Variant type: single nucleotide variant.
Coding change: c.354T>C on transcript NM_025077.4 (MANE Select); coding-DNA position 354, T replaced by C.
Protein change: p.Ala118=; no amino-acid change (alanine 118 retained).
Molecular consequence: synonymous variant.
Genome position (GRCh38, 1-based): chr1:45,341,969, T>C. VCF-style: chr1-45341969-T-C. GRCh37 (hg19) VCF-style: chr1-45807641-T-C.
Identifiers: ClinVar variation 1627672 (VCV001627672.18), dbSNP rs145706522, ClinGen allele CA826553.